The following is an entry in ClinVar:

ClinVar aggregate classification (germline): Uncertain significance (1 of 4 stars; one submission).

Conditions:
Neuroblastoma, susceptibility to, 3. Also called: ALK-Related Neuroblastic Tumor Susceptibility. Identifiers: Orphanet 635, MedGen C2751681, MONDO:0013083, OMIM 613014.

Submission:

Labcorp Genetics (formerly Invitae), Labcorp
Classification: Uncertain significance for Neuroblastoma, susceptibility to, 3. Last evaluated: 2023-04-07. Review status: criteria provided, single submitter. Criteria: Invitae Variant Classification Sherloc (09022015). Collection method: clinical testing. Allele origin: germline.
Comment: In summary, the available evidence is currently insufficient to determine the role of this variant in disease. Therefore, it has been classified as a Variant of Uncertain Significance. This sequence change replaces glycine, which is neutral and non-polar, with valine, which is neutral and non-polar, at codon 113 of the ALK protein (p.Gly113Val). This variant is not present in population databases (gnomAD no frequency). This variant has not been reported in the literature in individuals affected with ALK-related conditions. ClinVar contains an entry for this variant (Variation ID: 1026281). An algorithm developed to predict the effect of missense changes on protein structure and function (PolyPhen-2) suggests that this variant is likely to be tolerated.

NM_004304.5(ALK):c.338G>T (p.Gly113Val)

Gene: ALK (ALK receptor tyrosine kinase; minus strand). Cytogenetic location: 2p23.1.
Variant type: single nucleotide variant.
Coding change: c.338G>T on transcript NM_004304.5 (MANE Select); coding-DNA position 338, G replaced by T.
Protein change: p.Gly113Val; replaces glycine 113 with valine.
Molecular consequence: missense variant.
Genome position (GRCh38, 1-based): chr2:29,920,322, C>A on the plus strand (G>T on the coding strand, the complement: ALK is on the minus strand). VCF-style: chr2-29920322-C-A. GRCh37 (hg19) VCF-style: chr2-30143188-C-A.
Other names: short protein forms G113V.
Identifiers: ClinVar variation 1026281 (VCV001026281.8), dbSNP rs1479433859, ClinGen allele CA346590232.